The following is an entry in ClinVar:

ClinVar aggregate classification (germline): Likely benign (1 of 4 stars; one submission).

gnomAD v4.1: 21 of 1,427,458 alleles (0.0015%); highest among the groups gnomAD compares: East Asian, 0.0081%; no homozygotes.

Submission:

CeGaT Center for Human Genetics Tuebingen
Classification: Likely benign. Last evaluated: 2023-09-01. Review status: criteria provided, single submitter. Criteria: CeGaT Center For Human Genetics Tuebingen Variant Classification Criteria Version 2. Collection method: clinical testing. Allele origin: germline. Affected: yes. Observed: 1 variant allele.
Comment: TNS3: BP4, BP7

NM_022748.12(TNS3):c.327C>T (p.Gly109=)

Gene: TNS3 (tensin 3; minus strand). Cytogenetic location: 7p12.3.
Variant type: single nucleotide variant.
Coding change: c.327C>T on transcript NM_022748.12 (MANE Select); coding-DNA position 327, C replaced by T.
Protein change: p.Gly109=; no amino-acid change (glycine 109 retained).
Molecular consequence: synonymous variant.
Genome position (GRCh38, 1-based): chr7:47,428,374, G>A on the plus strand (C>T on the coding strand, the complement: TNS3 is on the minus strand). VCF-style: chr7-47428374-G-A. GRCh37 (hg19) VCF-style: chr7-47467972-G-A.
Other names: c.669C>T, p.Gly223= (NM_001410877.1); c.636C>T, p.Gly212= (NM_001410878.1).
Identifiers: ClinVar variation 2657455 (VCV002657455.24), dbSNP rs748482518, ClinGen allele CA4251307.